The following is an entry in ClinVar:

ClinVar aggregate classification (germline): Uncertain significance. Review status: criteria provided, multiple submitters, no conflicts (2 of 4 stars). 3 submissions from 3 submitters: Uncertain significance (3). Last evaluated 2026-05-27.

Allele frequency attached by ClinVar (database versions not stated): gnomAD exomes 0.00001; gnomAD 0.00001; ExAC 0.00002; ESP Exome Variant Server 0.00008; TOPMed below 0.00001.
gnomAD v4.1: 5 of 1,612,656 alleles (0.00031%); highest among the groups gnomAD compares: Non-Finnish European, 0.00042%; no homozygotes.

Submissions (3):

Women's Health and Genetics/Laboratory Corporation of America, LabCorp
Classification: Uncertain significance. Last evaluated: 2026-05-27. Review status: criteria provided, single submitter. Criteria: LabCorp Variant Classification Summary - May 2015. Collection method: clinical testing. Allele origin: germline.
Comment: Variant summary: TTN c.59653G>A (p.Gly19885Arg) results in a non-conservative amino acid change in the encoded protein sequence. Algorithms developed to predict the effect of missense changes on protein structure and function all suggest that this variant is likely to be disruptive. The variant allele was found at a frequency of 8.1e-06 in 246624 control chromosomes. The available data on variant occurrences in the general population are insufficient to allow any conclusion about variant significance. c.59653G>A has been observed in the presumed heterozygous state in at least 1 individual(s) affected with arrhythmogenic cardiomyopathy, who had a probable alternate genetic cause for disease (example, Lippi_2022). These report(s) do not provide unequivocal conclusions about association of the variant with disease. To our knowledge, no experimental evidence demonstrating an impact on protein function has been reported. The following publication has been ascertained in the context of this evaluation (PMID: 36008935). ClinVar contains an entry for this variant (Variation ID: 202809). Based on the evidence outlined above, the variant was classified as uncertain significance.

Revvity Omics, Revvity
Classification: Uncertain significance. Last evaluated: 2021-06-18. Review status: criteria provided, single submitter. Criteria: ACMG Guidelines, 2015. Collection method: clinical testing. Allele origin: germline.

GeneDx
Classification: Uncertain significance. Last evaluated: 2014-02-14. Review status: criteria provided, single submitter. Criteria: GeneDx Variant Classification (06012015). Collection method: clinical testing. Allele origin: germline. Affected: yes.
Comment: Missense variants in the TTN gene are considered 'unclassified' if they are not previously reported in the literature and do not have >1% frequency in the population to be considered a polymorphism. Research indicates that truncating mutations in the TTN gene are expected to account for approximately 25% of familial and 18% of sporadic idiopathic DCM; however, truncating variants in the TTN gene have been reported in approximately 3% of reported control alleles. There has been little investigation into non-truncating variants. (Herman D et al. Truncations of titin causing dilated cardiomyopathy. N Eng J Med 366:619-628, 2012) The variant is found in DCM-CRDM panel(s).

Literature cited by the submitters: PubMed 36008935 (cited by Women's Health and Genetics/Laboratory Corporation of America, LabCorp).

NM_001267550.2(TTN):c.67357G>A (p.Gly22453Arg)

Genes: TTN (titin; minus strand), TTN-AS1 (TTN antisense RNA 1; plus strand). Cytogenetic location: 2q31.2.
Variant type: single nucleotide variant.
Coding change: c.67357G>A on transcript NM_001267550.2 (MANE Select); coding-DNA position 67357, G replaced by A.
Protein change: p.Gly22453Arg; replaces glycine 22453 with arginine.
Molecular consequence: missense variant.
Genome position (GRCh38, 1-based): chr2:178,579,840, C>T on the plus strand (G>A on the coding strand, the complement: TTN is on the minus strand). VCF-style: chr2-178579840-C-T. GRCh37 (hg19) VCF-style: chr2-179444567-C-T.
Other names: p.G20812R:GGA>AGA; c.62434G>A, p.Gly20812Arg (NM_001256850.1); c.40162G>A, p.Gly13388Arg (NM_003319.4); c.59653G>A, p.Gly19885Arg (NM_133378.4); c.40537G>A, p.Gly13513Arg (NM_133432.3); c.40738G>A, p.Gly13580Arg (NM_133437.4); short protein forms G20812R, G22453R, G13388R, G19885R, G13580R, G13513R.
Identifiers: ClinVar variation 202809 (VCV000202809.6), dbSNP rs373706642, ClinGen allele CA310355.